The following is an entry in ClinVar:

GRCh38/hg38 7p21.2-21.1(chr7:15133711-19642829)x1

Genes: AGMO (alkylglycerol monooxygenase; minus strand), AGR2 (anterior gradient 2, protein disulphide isomerase family member; minus strand), AGR3 (anterior gradient 3, protein disulphide isomerase family member; minus strand), AHR (aryl hydrocarbon receptor; plus strand), ANKMY2 (ankyrin repeat and MYND domain containing 2; minus strand) and 64 more. Cytogenetic location: 7p21.2-21.1.
Variant type: copy number loss.
Change: copy number 1 (one copy instead of two) of chr7:15,133,711-19,642,829 (4.51 Mb, GRCh38 coordinates, 1-based), cytogenetic band 7p21.2-21.1.
Identifiers: ClinVar variation 58520 (VCV000058520.1).

ClinVar aggregate classification (germline): Pathogenic (1 of 4 stars; one submission).

Submission:

ISCA site 14
Classification: Pathogenic. Last evaluated: 2011-08-12. Review status: criteria provided, single submitter. Criteria: Kaminsky et al. (Genet Med. 2011). Collection method: clinical testing. Allele origin: unknown. Affected: yes. Observed: 1 variant allele.
Comment: Copy number variation identified through the course of routine clinical cytogenomic testing in postnatal populations. Clinical assertions have been curated as described in Kaminsky et al. 2011.